The following is an entry in ClinVar:

NM_015295.3(SMCHD1):c.4226G>T (p.Arg1409Leu)

Gene: SMCHD1 (structural maintenance of chromosomes flexible hinge domain containing 1; plus strand). Cytogenetic location: 18p11.32.
Variant type: single nucleotide variant.
Coding change: c.4226G>T on transcript NM_015295.3 (MANE Select); coding-DNA position 4226, G replaced by T.
Protein change: p.Arg1409Leu; replaces arginine 1409 with leucine.
Molecular consequence: missense variant.
Genome position (GRCh38, 1-based): chr18:2,751,338, G>T. VCF-style: chr18-2751338-G-T. GRCh37 (hg19) VCF-style: chr18-2751336-G-T.
Other names: short protein forms R1409L.
Identifiers: ClinVar variation 4754518 (VCV004754518.1).

ClinVar aggregate classification (germline): Uncertain significance (1 of 4 stars; one submission).

Conditions:
Facioscapulohumeral muscular dystrophy 2 (FSHD2). Also called: MUSCULAR DYSTROPHY, FACIOSCAPULOHUMERAL, TYPE 1B; FACIOSCAPULOHUMERAL MUSCULAR DYSTROPHY 2, DIGENIC; FSHD2, DIGENIC. Identifiers: Orphanet 269, MedGen C1834671, MONDO:0008031, OMIM 158901.

gnomAD v4.1: 4 of 1,580,350 alleles (0.00025%); highest among the groups gnomAD compares: Non-Finnish European, 0.00034%; no homozygotes.

Submission:

Labcorp Genetics (formerly Invitae), Labcorp
Classification: Uncertain significance for Facioscapulohumeral muscular dystrophy 2. Last evaluated: 2025-08-26. Review status: criteria provided, single submitter. Criteria: Invitae Variant Classification Sherloc (09022015). Collection method: clinical testing. Allele origin: germline.
Comment: This sequence change replaces arginine, which is basic and polar, with leucine, which is neutral and non-polar, at codon 1409 of the SMCHD1 protein (p.Arg1409Leu). This variant is not present in population databases (gnomAD no frequency). This variant has not been reported in the literature in individuals affected with SMCHD1-related conditions. Invitae Evidence Modeling of protein sequence and biophysical properties (such as structural, functional, and spatial information, amino acid conservation, physicochemical variation, residue mobility, and thermodynamic stability) indicates that this missense variant is not expected to disrupt SMCHD1 protein function with a negative predictive value of 80%. In summary, the available evidence is currently insufficient to determine the role of this variant in disease. Therefore, it has been classified as a Variant of Uncertain Significance.